The following is an entry in ClinVar:

NM_001142800.2(EYS):c.5609A>G (p.Glu1870Gly)

Gene: EYS (EGF-like photoreceptor maintenance factor; minus strand). Cytogenetic location: 6q12.
Variant type: single nucleotide variant.
Coding change: c.5609A>G on transcript NM_001142800.2 (MANE Select); coding-DNA position 5609, A replaced by G.
Protein change: p.Glu1870Gly; replaces glutamic acid 1870 with glycine.
Molecular consequence: missense variant.
Genome position (GRCh38, 1-based): chr6:64,590,258, T>C on the plus strand (A>G on the coding strand, the complement: EYS is on the minus strand). VCF-style: chr6-64590258-T-C. GRCh37 (hg19) VCF-style: chr6-65300151-T-C.
Other names: c.5609A>G, p.Glu1870Gly (NM_001292009.2); short protein forms E1870G.
Identifiers: ClinVar variation 1021458 (VCV001021458.8), dbSNP rs1002095739, ClinGen allele CA140340859.

ClinVar aggregate classification (germline): Uncertain significance. Review status: criteria provided, multiple submitters, no conflicts (2 of 4 stars). 3 submissions from 3 submitters: Uncertain significance (2). 1 of the submissions does not count toward it. Last evaluated 2022-05-05.

Conditions:
Retinitis pigmentosa 25 (RP25). Identifiers: Orphanet 791, MedGen C1864446, MONDO:0011272, OMIM 602772.

Allele frequency attached by ClinVar (database versions not stated): gnomAD exomes below 0.00001 and 0.00001; gnomAD 0.00004; TOPMed 0.00005.
gnomAD v4.1: 13 of 1,549,876 alleles (0.00084%); highest among the groups gnomAD compares: Admixed American, 0.0098%; no homozygotes.

Submissions (3):

Labcorp Genetics (formerly Invitae), Labcorp
Classification: Uncertain significance. Last evaluated: 2022-05-05. Review status: criteria provided, single submitter. Criteria: Invitae Variant Classification Sherloc (09022015). Collection method: clinical testing. Allele origin: germline.
Comment: This sequence change replaces glutamic acid, which is acidic and polar, with glycine, which is neutral and non-polar, at codon 1870 of the EYS protein (p.Glu1870Gly). This variant is present in population databases (no rsID available, gnomAD 0.01%). This variant has not been reported in the literature in individuals affected with EYS-related conditions. ClinVar contains an entry for this variant (Variation ID: 1021458). Algorithms developed to predict the effect of missense changes on protein structure and function output the following: SIFT: "Tolerated"; PolyPhen-2: "Benign"; Align-GVGD: "Class C0". The glycine amino acid residue is found in multiple mammalian species, which suggests that this missense change does not adversely affect protein function. In summary, the available evidence is currently insufficient to determine the role of this variant in disease. Therefore, it has been classified as a Variant of Uncertain Significance.

Blueprint Genetics
Classification: Uncertain significance. Last evaluated: 2018-08-02. Review status: criteria provided, single submitter. Criteria: ACMG Guidelines, 2015. Collection method: clinical testing. Allele origin: germline.

Natera, Inc.
Classification: Uncertain significance for Retinitis pigmentosa type 25. Last evaluated: 2020-07-16. Review status: no assertion criteria provided. Collection method: clinical testing. Allele origin: germline. Not counted in ClinVar's aggregate classification.